The following is an entry in ClinVar:

NM_004366.6(CLCN2):c.167G>A (p.Arg56Gln)

Gene: CLCN2 (chloride voltage-gated channel 2; minus strand). Cytogenetic location: 3q27.1.
Variant type: single nucleotide variant.
Coding change: c.167G>A on transcript NM_004366.6 (MANE Select); coding-DNA position 167, G replaced by A.
Protein change: p.Arg56Gln; replaces arginine 56 with glutamine.
Molecular consequence: missense variant.
Genome position (GRCh38, 1-based): chr3:184,359,028, C>T on the plus strand (G>A on the coding strand, the complement: CLCN2 is on the minus strand). VCF-style: chr3-184359028-C-T. GRCh37 (hg19) VCF-style: chr3-184076816-C-T.
Other names: c.167G>A, p.Arg56Gln (NM_001171087.3, NM_001171088.3, NM_001171089.3); short protein forms R56Q.
Identifiers: ClinVar variation 2181460 (VCV002181460.4), dbSNP rs745828736, ClinGen allele CA2734592.

ClinVar aggregate classification (germline): Uncertain significance (1 of 4 stars; one submission).

Allele frequency attached by ClinVar (database versions not stated): gnomAD exomes 0.00001; ExAC 0.00002; TOPMed 0.00002; gnomAD 0.00003.
gnomAD v4.1: 26 of 1,613,522 alleles (0.0016%); highest among the groups gnomAD compares: African/African-American, 0.0053%; no homozygotes.

Submission:

Labcorp Genetics (formerly Invitae), Labcorp
Classification: Uncertain significance. Last evaluated: 2022-08-20. Review status: criteria provided, single submitter. Criteria: Invitae Variant Classification Sherloc (09022015). Collection method: clinical testing. Allele origin: germline.
Comment: Advanced modeling of protein sequence and biophysical properties (such as structural, functional, and spatial information, amino acid conservation, physicochemical variation, residue mobility, and thermodynamic stability) performed at Invitae indicates that this missense variant is not expected to disrupt CLCN2 protein function. This sequence change replaces arginine, which is basic and polar, with glutamine, which is neutral and polar, at codon 56 of the CLCN2 protein (p.Arg56Gln). The frequency data for this variant in the population databases is considered unreliable, as metrics indicate poor data quality at this position in the gnomAD database. This variant has not been reported in the literature in individuals affected with CLCN2-related conditions. In summary, the available evidence is currently insufficient to determine the role of this variant in disease. Therefore, it has been classified as a Variant of Uncertain Significance.